The following is an entry in ClinVar:

NM_001365951.3(KIF1B):c.1515-5C>T

Gene: KIF1B (kinesin family member 1B; plus strand). Cytogenetic location: 1p36.22.
Variant type: single nucleotide variant.
Coding change: c.1515-5C>T on transcript NM_001365951.3 (MANE Select); 5 bases into the intron before coding-DNA position 1515, C replaced by T.
Molecular consequence: intron variant.
Genome position (GRCh38, 1-based): chr1:10,292,042, C>T. VCF-style: chr1-10292042-C-T. GRCh37 (hg19) VCF-style: chr1-10352100-C-T.
Other names: c.1377-5C>T (NM_183416.4, NM_015074.3, NM_001365953.1); c.1515-5C>T (NM_001365952.1).
Identifiers: ClinVar variation 1564381 (VCV001564381.12), dbSNP rs776534234, ClinGen allele CA581002.
Genomic context (GRCh38, chr1:10,292,042, plus strand): 5'-TCATATTAGACTGATTTAATTGACATTTTGGTATTAGTGTTCTGATATACCTGTTTTTTT[C>T]CTAGAGAGGCTTTGTTGGCTGAGATGGGAGTTGCCATTCGGGAAGATGGAGGAACCCTAG-3'

ClinVar aggregate classification (germline): Conflicting classifications of pathogenicity. Review status: criteria provided, conflicting classifications (1 of 4 stars). 3 submissions from 3 submitters: Uncertain significance (1); Likely benign (1). 1 of the submissions does not count toward it. Last evaluated 2022-04-07.

Conditions:
KIF1B-related disorder. Also called: KIF1B-related condition.
Charcot-Marie-Tooth disease type 2. Also called: Charcot-Marie-Tooth type 2. Identifiers: Orphanet 64746, MedGen C0270914, MONDO:0018993.

Allele frequency attached by ClinVar (database versions not stated): gnomAD exomes 0.00001; ExAC 0.00002.
gnomAD v4.1: 3 of 1,612,640 alleles (0.00019%); highest among the groups gnomAD compares: Admixed American, 0.0017%; no homozygotes.

Submissions (3):

Ambry Genetics
Classification: Uncertain significance. Last evaluated: 2022-04-07. Review status: criteria provided, single submitter. Criteria: Ambry Variant Classification Scheme 2023. Collection method: clinical testing. Allele origin: germline.
Comment: The c.1377-5C>T intronic variant results from a C to T substitution 5 nucleotides upstream from coding exon 14 in the KIF1B gene. This nucleotide position is poorly conserved in available vertebrate species. In silico splice site analysis predicts that this alteration will not have any significant effect on splicing. Since supporting evidence is limited at this time, the clinical significance of this alteration remains unclear.

Labcorp Genetics (formerly Invitae), Labcorp
Classification: Likely benign for Charcot-Marie-Tooth disease type 2. Last evaluated: 2021-07-17. Review status: criteria provided, single submitter. Criteria: Invitae Variant Classification Sherloc (09022015). Collection method: clinical testing. Allele origin: germline.

PreventionGenetics, part of Exact Sciences
Classification: Likely benign for KIF1B-related condition. Last evaluated: 2020-09-16. Review status: no assertion criteria provided. Collection method: clinical testing. Allele origin: germline. Not counted in ClinVar's aggregate classification.
Comment: This variant is classified as likely benign based on ACMG/AMP sequence variant interpretation guidelines (Richards et al. 2015 PMID: 25741868, with internal and published modifications).